The following is an entry in ClinVar:

NM_017433.5(MYO3A):c.1038A>G (p.Leu346=)

Gene: MYO3A (myosin IIIA; plus strand). Cytogenetic location: 10p12.1.
Variant type: single nucleotide variant.
Coding change: c.1038A>G on transcript NM_017433.5 (MANE Select); coding-DNA position 1038, A replaced by G.
Protein change: p.Leu346=; no amino-acid change (leucine 346 retained).
Molecular consequence: synonymous variant.
Genome position (GRCh38, 1-based): chr10:26,067,059, A>G. VCF-style: chr10-26067059-A-G. GRCh37 (hg19) VCF-style: chr10-26355988-A-G.
Identifiers: ClinVar variation 179933 (VCV000179933.11), dbSNP rs727505229, ClinGen allele CA185458.
Genomic context (GRCh38, chr10:26,067,059, plus strand): 5'-AGGGAACTTCAACCGACCTCTAATATCCAATCTGAAGGATGTAGATGATTTAGCAACCCT[A>G]GAAATTTTGGATGAGGTAAGAATTTCAGTTTAATTAAACTTAGACATTCCAGATGTTTTG-3'
Protein context (NP_059129.3, residues 336-356): NLKDVDDLAT[Leu346=]EILDENTVSE

ClinVar aggregate classification (germline): Likely benign. Review status: criteria provided, multiple submitters, no conflicts (2 of 4 stars). 2 submissions from 2 submitters: Likely benign (2). Last evaluated 2021-04-05.

Allele frequency attached by ClinVar (database versions not stated): gnomAD exomes below 0.00001.
gnomAD v4.1: 1 of 1,608,414 alleles (0.000062%); highest among the groups gnomAD compares: African/African-American, 0.0013%; no homozygotes.

Submissions (2):

Labcorp Genetics (formerly Invitae), Labcorp
Classification: Likely benign. Last evaluated: 2021-04-05. Review status: criteria provided, single submitter. Criteria: Invitae Variant Classification Sherloc (09022015). Collection method: clinical testing. Allele origin: germline.

Laboratory for Molecular Medicine, Mass General Brigham Personalized Medicine
Classification: Likely benign. Last evaluated: 2014-08-07. Review status: criteria provided, single submitter. Criteria: LMM Criteria. Collection method: clinical testing. Allele origin: germline. Observed: 1 variant allele.
Comment: Leu346Leu in exon 11 of MYO3A: This variant is not expected to have clinical si gnificance because it does not alter an amino acid residue and is not located wi thin the splice consensus sequence.